The following is an entry in ClinVar:

NM_014629.4(ARHGEF10):c.592G>A (p.Ala198Thr)

Gene: ARHGEF10 (Rho guanine nucleotide exchange factor 10; plus strand). Cytogenetic location: 8p23.3.
Variant type: single nucleotide variant.
Coding change: c.592G>A on transcript NM_014629.4 (MANE Select); coding-DNA position 592, G replaced by A.
Protein change: p.Ala198Thr; replaces alanine 198 with threonine.
Molecular consequence: missense variant.
Genome position (GRCh38, 1-based): chr8:1,866,572, G>A. VCF-style: chr8-1866572-G-A. GRCh37 (hg19) VCF-style: chr8-1814738-G-A.
Other names: c.595G>A, p.Ala199Thr (NM_001308152.2, NM_001308153.3); short protein forms A199T, A198T, A223T.
Identifiers: ClinVar variation 1497610 (VCV001497610.6), dbSNP rs199782371, ClinGen allele CA4599881.

ClinVar aggregate classification (germline): Uncertain significance. Review status: criteria provided, multiple submitters, no conflicts (2 of 4 stars). 2 submissions from 2 submitters: Uncertain significance (2). Last evaluated 2025-05-06.

Allele frequency attached by ClinVar (database versions not stated): gnomAD 0.00001; TOPMed 0.00001; ExAC 0.00002; gnomAD exomes 0.00002; 1000 Genomes Project 30x 0.00016.
gnomAD v4.1: 25 of 1,607,760 alleles (0.0016%); highest among the groups gnomAD compares: African/African-American, 0.004%; no homozygotes.

Submissions (2):

Women's Health and Genetics/Laboratory Corporation of America, LabCorp
Classification: Uncertain significance. Last evaluated: 2025-05-06. Review status: criteria provided, single submitter. Criteria: LabCorp Variant Classification Summary - May 2015. Collection method: clinical testing. Allele origin: germline.
Comment: Variant summary: ARHGEF10 c.592G>A (p.Ala198Thr) results in a non-conservative amino acid change in the encoded protein sequence. Algorithms developed to predict the effect of missense changes on protein structure and function are either unavailable or do not agree on the potential impact of this missense change. The variant allele was found at a frequency of 1.6e-05 in 246582 control chromosomes. The available data on variant occurrences in the general population are insufficient to allow any conclusion about variant significance. To our knowledge, no occurrence of c.592G>A in individuals affected with Autosomal dominant slowed nerve conduction velocity and no experimental evidence demonstrating its impact on protein function have been reported. ClinVar contains an entry for this variant (Variation ID: 1497610). Based on the evidence outlined above, the variant was classified as uncertain significance.

Labcorp Genetics (formerly Invitae), Labcorp
Classification: Uncertain significance. Last evaluated: 2023-08-22. Review status: criteria provided, single submitter. Criteria: Invitae Variant Classification Sherloc (09022015). Collection method: clinical testing. Allele origin: germline.
Comment: This sequence change replaces alanine, which is neutral and non-polar, with threonine, which is neutral and polar, at codon 198 of the ARHGEF10 protein (p.Ala198Thr). This variant is present in population databases (rs199782371, gnomAD 0.005%). This variant has not been reported in the literature in individuals affected with ARHGEF10-related conditions. ClinVar contains an entry for this variant (Variation ID: 1497610). An algorithm developed to predict the effect of missense changes on protein structure and function (PolyPhen-2) suggests that this variant is likely to be disruptive. In summary, the available evidence is currently insufficient to determine the role of this variant in disease. Therefore, it has been classified as a Variant of Uncertain Significance.